The following is an entry in ClinVar:

ClinVar aggregate classification (germline): Pathogenic (1 of 4 stars; one submission).

Submission:

Labcorp Genetics (formerly Invitae), Labcorp
Classification: Pathogenic. Last evaluated: 2022-08-16. Review status: criteria provided, single submitter. Criteria: Invitae Variant Classification Sherloc (09022015). Collection method: clinical testing. Allele origin: germline.
Comment: For these reasons, this variant has been classified as Pathogenic. This variant has not been reported in the literature in individuals affected with KMT2B-related conditions. This variant is not present in population databases (gnomAD no frequency). This sequence change creates a premature translational stop signal (p.Ala630Glyfs*46) in the KMT2B gene. It is expected to result in an absent or disrupted protein product. Loss-of-function variants in KMT2B are known to be pathogenic (PMID: 27839873, 27992417).

Literature cited by the submitters: PubMed 27839873; PubMed 27992417.

NM_014727.3(KMT2B):c.1886dup (p.Ala630fs)

Gene: KMT2B (lysine methyltransferase 2B; plus strand). Cytogenetic location: 19q13.12.
Variant type: Duplication.
Coding change: c.1886dup on transcript NM_014727.3 (MANE Select); coding-DNA position 1886, one base duplicated (C; older notation c.1886dupC).
Protein change: p.Ala630fs; shifts the reading frame from alanine 630.
Molecular consequence: frameshift variant.
Genome position (GRCh38, 1-based): chr19:35,721,233, C duplicated; the last of 5 consecutive C bases (chr19:35,721,229-35,721,233); duplicating any one gives the same sequence. VCF-style (leftmost placement, unchanged base first): chr19-35721228-T-TC. GRCh37 (hg19) VCF-style: chr19-36212130-T-TC.
Other names: short protein forms A630fs.
Identifiers: ClinVar variation 2065920 (VCV002065920.4), dbSNP rs2513317148, ClinGen allele CA2580096944.